The following is an entry in ClinVar:

ClinVar aggregate classification (germline): Uncertain significance (1 of 4 stars; one submission).

Conditions:
Epidermolysis bullosa simplex 5B, with muscular dystrophy (EBS5B). Also called: EPIDERMOLYSIS BULLOSA SIMPLEX AND LIMB-GIRDLE MUSCULAR DYSTROPHY; Epidermolysis bullosa simplex with muscular dystrophy. Identifiers: Orphanet 257, MedGen C2931072, MONDO:0009181, OMIM 226670.
Epidermolysis bullosa simplex 5C, with pyloric atresia (EBS5C). Also called: Epidermolysis bullosa simplex with pyloric atresia; PLEC-Related Epidermolysis Bullosa with Pyloric Atresia; PLEC1-Related Epidermolysis Bullosa with Pyloric Atresia. Identifiers: Orphanet 158684, MedGen C2677349, MONDO:0012807, OMIM 612138.
Autosomal recessive limb-girdle muscular dystrophy type 2Q (LGMDR17). Also called: MUSCULAR DYSTROPHY, LIMB-GIRDLE, AUTOSOMAL RECESSIVE 17. Identifiers: Orphanet 254361, MedGen C3150989, MONDO:0013390, OMIM 613723.
Epidermolysis bullosa simplex with nail dystrophy (EBS5D). Identifiers: MedGen C4225309, MONDO:0014661, OMIM 616487.
Epidermolysis bullosa simplex, Ogna type (EBS5A). Also called: Pidermolysis bullosa simplex 5A, Ogna type; EPIDERMOLYSIS BULLOSA SIMPLEX 5A, OGNA TYPE. Identifiers: Orphanet 79401, MedGen C0432317, MONDO:0007555, OMIM 131950.

Allele frequency attached by ClinVar (database versions not stated): gnomAD exomes 0.00001.
gnomAD v4.1: 9 of 1,549,978 alleles (0.00058%); highest among the groups gnomAD compares: Middle Eastern, 0.017%; no homozygotes.

Submission:

Labcorp Genetics (formerly Invitae), Labcorp
Classification: Uncertain significance for Autosomal recessive limb-girdle muscular dystrophy type 2Q; Epidermolysis bullosa simplex, Ogna type; Epidermolysis bullosa simplex with nail dystrophy; Epidermolysis bullosa simplex 5C, with pyloric atresia; Epidermolysis bullosa simplex 5B, with muscular dystrophy. Last evaluated: 2022-09-06. Review status: criteria provided, single submitter. Criteria: Invitae Variant Classification Sherloc (09022015). Collection method: clinical testing. Allele origin: germline.
Comment: This sequence change replaces serine, which is neutral and polar, with phenylalanine, which is neutral and non-polar, at codon 1807 of the PLEC protein (p.Ser1807Phe). The frequency data for this variant in the population databases is considered unreliable, as metrics indicate poor data quality at this position in the gnomAD database. This variant has not been reported in the literature in individuals affected with PLEC-related conditions. ClinVar contains an entry for this variant (Variation ID: 1441236). Algorithms developed to predict the effect of missense changes on protein structure and function are either unavailable or do not agree on the potential impact of this missense change (SIFT: "Deleterious"; PolyPhen-2: "Not Available"; Align-GVGD: "Class C65"). In summary, the available evidence is currently insufficient to determine the role of this variant in disease. Therefore, it has been classified as a Variant of Uncertain Significance.

NM_201384.3(PLEC):c.5339C>T (p.Ser1780Phe)

Gene: PLEC (plectin; minus strand). Cytogenetic location: 8q24.3.
Variant type: single nucleotide variant.
Coding change: c.5339C>T on transcript NM_201384.3 (MANE Select); coding-DNA position 5339, C replaced by T.
Protein change: p.Ser1780Phe; replaces serine 1780 with phenylalanine.
Molecular consequence: missense variant.
Genome position (GRCh38, 1-based): chr8:143,924,590, G>A on the plus strand (C>T on the coding strand, the complement: PLEC is on the minus strand). VCF-style: chr8-143924590-G-A. GRCh37 (hg19) VCF-style: chr8-144998758-G-A.
Other names: c.5420C>T, p.Ser1807Phe (NM_000445.5); c.5297C>T, p.Ser1766Phe (NM_201378.4); c.5273C>T, p.Ser1758Phe (NM_201379.3); c.5750C>T, p.Ser1917Phe (NM_201380.4); c.5243C>T, p.Ser1748Phe (NM_201381.3); c.5339C>T, p.Ser1780Phe (NM_201382.4); c.5351C>T, p.Ser1784Phe (NM_201383.3); short protein forms S1766F, S1784F, S1748F, S1758F, S1780F, S1807F, S1917F.
Identifiers: ClinVar variation 1441236 (VCV001441236.8), dbSNP rs1554698233, ClinGen allele CA372545915.